The following is an entry in ClinVar:

ClinVar aggregate classification (germline): Uncertain significance (1 of 4 stars; one submission).

Conditions:
Hennekam lymphangiectasia-lymphedema syndrome 2 (HKLLS2). Identifiers: Orphanet 2136, MedGen C4014939, MONDO:0014454, OMIM 616006.

Allele frequency attached by ClinVar (database versions not stated): gnomAD exomes below 0.00001; TOPMed below 0.00001.
gnomAD v4.1: 1 of 1,609,210 alleles (0.000062%); no homozygotes.

Submission:

Baylor Genetics
Classification: Uncertain significance for Hennekam lymphangiectasia-lymphedema syndrome 2. Last evaluated: 2018-02-26. Review status: criteria provided, single submitter. Criteria: ACMG Guidelines, 2015. Collection method: clinical testing. Allele origin: unknown. Affected: yes.
Comment: This variant was determined to be of uncertain significance according to ACMG Guidelines, 2015 [PMID:25741868].

NM_001291303.3(FAT4):c.5161A>G (p.Thr1721Ala)

Gene: FAT4 (FAT atypical cadherin 4; plus strand). Cytogenetic location: 4q28.1.
Variant type: single nucleotide variant.
Coding change: c.5161A>G on transcript NM_001291303.3 (MANE Select); coding-DNA position 5161, A replaced by G.
Protein change: p.Thr1721Ala; replaces threonine 1721 with alanine.
Molecular consequence: missense variant.
Genome position (GRCh38, 1-based): chr4:125,321,572, A>G. VCF-style: chr4-125321572-A-G. GRCh37 (hg19) VCF-style: chr4-126242727-A-G.
Other names: c.5161A>G, p.Thr1721Ala (NM_001291285.3, NM_024582.6); short protein forms T1721A.
Identifiers: ClinVar variation 1031382 (VCV001031382.1), dbSNP rs904769252, ClinGen allele CA104868163.